The following is an entry in ClinVar:

NM_001134831.2(AHI1):c.928G>A (p.Ala310Thr)

Gene: AHI1 (Abelson helper integration site 1; minus strand). Cytogenetic location: 6q23.3.
Variant type: single nucleotide variant.
Coding change: c.928G>A on transcript NM_001134831.2 (MANE Select); coding-DNA position 928, G replaced by A.
Protein change: p.Ala310Thr; replaces alanine 310 with threonine.
Molecular consequence: missense variant.
Genome position (GRCh38, 1-based): chr6:135,463,128, C>T on the plus strand (G>A on the coding strand, the complement: AHI1 is on the minus strand). VCF-style: chr6-135463128-C-T. GRCh37 (hg19) VCF-style: chr6-135784266-C-T.
Other names: c.928G>A (NM_001134831.1); c.928G>A, p.Ala310Thr (NM_001134830.2, NM_001134832.2, NM_001350503.2 and 2 more transcripts); short protein forms A310T.
Identifiers: ClinVar variation 1902127 (VCV001902127.6), dbSNP rs2484971821, ClinGen allele CA365748950.

ClinVar aggregate classification (germline): Uncertain significance. Review status: criteria provided, multiple submitters, no conflicts (2 of 4 stars). 2 submissions from 2 submitters: Uncertain significance (2). Last evaluated 2023-11-27.

Conditions:
Joubert syndrome 3 (JBTS3). Also called: AHI1-related Ciliopathy. Identifiers: Orphanet 220493, MedGen C1837713, MONDO:0012078, OMIM 608629.
Joubert syndrome. Also called: CEREBELLOPARENCHYMAL DISORDER IV; JOUBERT-BOLTSHAUSER SYNDROME; Familial aplasia of the vermis. Identifiers: Orphanet 475, MedGen C5979921, MONDO:0018772.

Allele frequency attached by ClinVar (database versions not stated): gnomAD exomes below 0.00001.

Submissions (2):

Labcorp Genetics (formerly Invitae), Labcorp
Classification: Uncertain significance for Joubert syndrome. Last evaluated: 2023-11-27. Review status: criteria provided, single submitter. Criteria: Invitae Variant Classification Sherloc (09022015). Collection method: clinical testing. Allele origin: germline.
Comment: This sequence change replaces alanine, which is neutral and non-polar, with threonine, which is neutral and polar, at codon 310 of the AHI1 protein (p.Ala310Thr). This variant is not present in population databases (gnomAD no frequency). This variant has not been reported in the literature in individuals affected with AHI1-related conditions. ClinVar contains an entry for this variant (Variation ID: 1902127). Advanced modeling of protein sequence and biophysical properties (such as structural, functional, and spatial information, amino acid conservation, physicochemical variation, residue mobility, and thermodynamic stability) performed at Invitae indicates that this missense variant is not expected to disrupt AHI1 protein function with a negative predictive value of 95%. In summary, the available evidence is currently insufficient to determine the role of this variant in disease. Therefore, it has been classified as a Variant of Uncertain Significance.

Victorian Clinical Genetics Services, Murdoch Childrens Research Institute
Classification: Uncertain significance for Joubert syndrome 3. Last evaluated: 2023-07-17. Review status: criteria provided, single submitter. Criteria: ACMG Guidelines, 2015. Collection method: clinical testing. Allele origin: germline. Inheritance: Autosomal recessive inheritance. Affected: yes.
Comment: Based on the classification scheme VCGS_Germline_v1.3.4, this variant is classified as VUS-3C. Following criteria are met: 0102 - Loss of function is a known mechanism of disease in this gene and is associated with Joubert syndrome 3 (MIM#608629). (I) 0106 - This gene is associated with autosomal recessive disease. (I) 0200 - Variant is predicted to result in a missense amino acid change from alanine to threonine. (I) 0251 - This variant is heterozygous. (I) 0301 - Variant is absent from gnomAD (both v2 and v3). (SP) 0503 - Missense variant consistently predicted to be tolerated by multiple in silico tools or not conserved in placental mammals with a minor amino acid change. (SB) 0604 - Variant is not located in an established domain, motif, hotspot or informative constraint region. (I) 0705 - No comparable missense variants have previous evidence for pathogenicity. (I) 0807 - This variant has no previous evidence of pathogenicity. (I) 0905 - No published segregation evidence has been identified for this variant. (I) 1007 - No published functional evidence has been identified for this variant. (I) Legend: (SP) - Supporting pathogenic, (I) - Information, (SB) - Supporting benign